The following is an entry in ClinVar:

NM_018238.4(AGK):c.80A>C (p.His27Pro)

Gene: AGK (acylglycerol kinase; plus strand). Cytogenetic location: 7q34.
Variant type: single nucleotide variant.
Coding change: c.80A>C on transcript NM_018238.4 (MANE Select); coding-DNA position 80, A replaced by C.
Protein change: p.His27Pro; replaces histidine 27 with proline.
Molecular consequence: missense variant.
Genome position (GRCh38, 1-based): chr7:141,555,546, A>C. VCF-style: chr7-141555546-A-C. GRCh37 (hg19) VCF-style: chr7-141255346-A-C.
Other names: c.80A>C, p.His27Pro (NM_001364948.3); short protein forms H27P.
Identifiers: ClinVar variation 2142050 (VCV002142050.4), dbSNP rs768714970, ClinGen allele CA168422091.

ClinVar aggregate classification (germline): Uncertain significance (1 of 4 stars; one submission).

Conditions:
Cataract 38. Also called: Cataract, autosomal recessive congenital 5; Cataract 38, autosomal recessive. Identifiers: Orphanet 91492, MedGen C3553494, MONDO:0013859, OMIM 614691.
Sengers syndrome. Also called: MITOCHONDRIAL DNA DEPLETION SYNDROME 10 (CARDIOMYOPATHIC TYPE); Cardiomyopathy and cataract. Identifiers: Orphanet 1369, MedGen C1859317, MONDO:0008922, OMIM 212350.

gnomAD v4.1: 1 of 1,613,860 alleles (0.000062%); highest among the groups gnomAD compares: Admixed American, 0.0017%; no homozygotes.

Submission:

Labcorp Genetics (formerly Invitae), Labcorp
Classification: Uncertain significance for Sengers syndrome; Cataract 38. Last evaluated: 2022-07-18. Review status: criteria provided, single submitter. Criteria: Invitae Variant Classification Sherloc (09022015). Collection method: clinical testing. Allele origin: germline.
Comment: This sequence change replaces histidine, which is basic and polar, with proline, which is neutral and non-polar, at codon 27 of the AGK protein (p.His27Pro). This variant is not present in population databases (gnomAD no frequency). This variant has not been reported in the literature in individuals affected with AGK-related conditions. Algorithms developed to predict the effect of missense changes on protein structure and function (SIFT, PolyPhen-2, Align-GVGD) all suggest that this variant is likely to be tolerated. In summary, the available evidence is currently insufficient to determine the role of this variant in disease. Therefore, it has been classified as a Variant of Uncertain Significance.